The following is an entry in ClinVar:

NM_003477.3(PDHX):c.641+168A>G

Gene: PDHX (pyruvate dehydrogenase complex component X; plus strand). Cytogenetic location: 11p13.
Variant type: single nucleotide variant.
Coding change: c.641+168A>G on transcript NM_003477.3 (MANE Select); 168 bases into the intron after coding-DNA position 641, A replaced by G.
Molecular consequence: intron variant.
Genome position (GRCh38, 1-based): chr11:34,960,686, A>G. VCF-style: chr11-34960686-A-G. GRCh37 (hg19) VCF-style: chr11-34982233-A-G.
Other names: c.461+168A>G (NM_001135024.2); c.342+13080A>G (NM_001166158.2).
Identifiers: ClinVar variation 683430 (VCV000683430.1), dbSNP rs2732555, ClinGen allele CA15696694.
Genomic context (GRCh38, chr11:34,960,686, plus strand): 5'-CACTGTTCTTCTTTTGTACTTTTAATTGCTTTTATCATTGTAAATTGTATTCTATGCAAG[A>G]GTTGTTTTCTGAATAATTATAGCATTACTGAAGAACAGCTCTAATTTGGTAACTAAGCAA-3'

ClinVar aggregate classification (germline): Benign (1 of 4 stars; one submission).

Allele frequency attached by ClinVar (database versions not stated): 1000 Genomes Project 30x 0.56043; 1000 Genomes Project 0.56809; TOPMed 0.58426; gnomAD 0.59747 and 0.59978.
gnomAD v4.1: 91,097 of 151,550 alleles (60%); highest among the groups gnomAD compares: East Asian, 75%; 28,840 homozygotes.

Submission:

GeneDx
Classification: Benign. Last evaluated: 2018-06-14. Review status: criteria provided, single submitter. Criteria: GeneDx Variant Classification (06012015). Collection method: clinical testing. Allele origin: germline. Affected: yes.
Comment: This variant is considered likely benign or benign based on one or more of the following criteria: it is a conservative change, it occurs at a poorly conserved position in the protein, it is predicted to be benign by multiple in silico algorithms, and/or has population frequency not consistent with disease.